The following is an entry in ClinVar:

ClinVar aggregate classification (germline): Uncertain significance (1 of 4 stars; one submission).

Submission:

GeneDx
Classification: Uncertain significance. Last evaluated: 2020-01-21. Review status: criteria provided, single submitter. Criteria: GeneDx Variant Classification Process June 2021. Collection method: clinical testing. Allele origin: germline. Affected: yes.
Comment: Not observed in large population cohorts (Lek et al., 2016); In silico analysis, which includes protein predictors and evolutionary conservation, supports a deleterious effect; Has not been previously published as pathogenic or benign to our knowledge

NM_170606.3(KMT2C):c.2759T>G (p.Val920Gly)

Gene: KMT2C (lysine methyltransferase 2C; minus strand). Cytogenetic location: 7q36.1.
Variant type: single nucleotide variant.
Coding change: c.2759T>G on transcript NM_170606.3 (MANE Select); coding-DNA position 2759, T replaced by G.
Protein change: p.Val920Gly; replaces valine 920 with glycine.
Molecular consequence: missense variant.
Genome position (GRCh38, 1-based): chr7:152,235,827, A>C on the plus strand (T>G on the coding strand, the complement: KMT2C is on the minus strand). VCF-style: chr7-152235827-A-C. GRCh37 (hg19) VCF-style: chr7-151932912-A-C.
Other names: short protein forms V920G.
Identifiers: ClinVar variation 1315353 (VCV001315353.2), dbSNP rs190132353, ClinGen allele CA370112334.